The following is an entry in ClinVar:

ClinVar aggregate classification (germline): Benign/Likely benign. Review status: criteria provided, multiple submitters, no conflicts (2 of 4 stars). 5 submissions from 5 submitters: Benign (1); Likely benign (3). 1 of the submissions does not count toward it. Last evaluated 2026-02-03.

Conditions:
ALK-related disorder. Also called: ALK-related condition.
Hereditary cancer-predisposing syndrome. Also called: Tumor predisposition; Hereditary neoplastic syndrome; Hereditary Cancer Syndrome; Neoplastic Syndromes, Hereditary. Identifiers: Orphanet 140162, MedGen C0027672, MeSH D009386, MONDO:0015356.
Neuroblastoma, susceptibility to, 3. Also called: ALK-Related Neuroblastic Tumor Susceptibility. Identifiers: Orphanet 635, MedGen C2751681, MONDO:0013083, OMIM 613014.

Allele frequency attached by ClinVar (database versions not stated): gnomAD 0.00003; TOPMed 0.00004; ExAC 0.00005; ESP Exome Variant Server 0.00008.
gnomAD v4.1: 287 of 1,614,028 alleles (0.018%); highest among the groups gnomAD compares: Non-Finnish European, 0.023%; no homozygotes.

Submissions (5):

Labcorp Genetics (formerly Invitae), Labcorp
Classification: Likely benign for Neuroblastoma, susceptibility to, 3. Last evaluated: 2026-02-03. Review status: criteria provided, single submitter. Criteria: Invitae Variant Classification Sherloc (09022015). Collection method: clinical testing. Allele origin: germline.

CeGaT Center for Human Genetics Tuebingen
Classification: Likely benign. Last evaluated: 2024-12-01. Review status: criteria provided, single submitter. Criteria: CeGaT Center For Human Genetics Tuebingen Variant Classification Criteria Version 2. Collection method: clinical testing. Allele origin: germline. Affected: yes. Observed: 2 variant alleles.
Comment: ALK: BP4, BP7

Ambry Genetics
Classification: Likely benign for Hereditary cancer-predisposing syndrome. Last evaluated: 2022-03-31. Review status: criteria provided, single submitter. Criteria: Ambry Variant Classification Scheme 2023. Collection method: clinical testing. Allele origin: germline.

Sema4
Classification: Benign for Hereditary cancer-predisposing syndrome. Last evaluated: 2020-10-23. Review status: criteria provided, single submitter. Criteria: Sema4 Curation Guidelines. Collection method: curation. Allele origin: germline.

PreventionGenetics, part of Exact Sciences
Classification: Likely benign for ALK-related condition. Last evaluated: 2022-10-04. Review status: no assertion criteria provided. Collection method: clinical testing. Allele origin: germline. Not counted in ClinVar's aggregate classification.
Comment: This variant is classified as likely benign based on ACMG/AMP sequence variant interpretation guidelines (Richards et al. 2015 PMID: 25741868, with internal and published modifications).

NM_004304.5(ALK):c.4425C>T (p.His1475=)

Gene: ALK (ALK receptor tyrosine kinase; minus strand). Cytogenetic location: 2p23.2.
Variant type: single nucleotide variant.
Coding change: c.4425C>T on transcript NM_004304.5 (MANE Select); coding-DNA position 4425, C replaced by T.
Protein change: p.His1475=; no amino-acid change (histidine 1475 retained).
Molecular consequence: synonymous variant.
Genome position (GRCh38, 1-based): chr2:29,193,662, G>A on the plus strand (C>T on the coding strand, the complement: ALK is on the minus strand). VCF-style: chr2-29193662-G-A. GRCh37 (hg19) VCF-style: chr2-29416528-G-A.
Other names: c.1221C>T, p.His407= (NM_001353765.2).
Identifiers: ClinVar variation 412904 (VCV000412904.44), dbSNP rs139039449, ClinGen allele CA1593575.
Genomic context (GRCh38, chr2:29,193,662, plus strand): 5'-GGATCCGTGGACCTTGTGCAACTCCGAAGGAGGGTTGGACTGAGAGAATGCCATATTCAC[G>A]TGTCCCCCTTCCACGGCCGGCCCTCTAGGGACTCGAACAGAGATCTCTGCAGCTGTGGGT-3'
Protein context (NP_004295.2, residues 1465-1485): VPRGPAVEGG[His1475=]VNMAFSQSNP